The following is an entry in ClinVar:

NM_001040151.2(SCN3B):c.220-132C>T

Gene: SCN3B (sodium voltage-gated channel beta subunit 3; minus strand). Cytogenetic location: 11q24.1.
Variant type: single nucleotide variant.
Coding change: c.220-132C>T on transcript NM_001040151.2 (MANE Select); 132 bases into the intron before coding-DNA position 220, C replaced by T.
Molecular consequence: intron variant.
Genome position (GRCh38, 1-based): chr11:123,642,803, G>A on the plus strand (C>T on the coding strand, the complement: SCN3B is on the minus strand). VCF-style: chr11-123642803-G-A. GRCh37 (hg19) VCF-style: chr11-123513511-G-A.
Other names: c.220-132C>T (NM_018400.4).
Identifiers: ClinVar variation 674191 (VCV000674191.2), dbSNP rs2280582, ClinGen allele CA229984284.

ClinVar aggregate classification (germline): Likely benign. Review status: criteria provided, multiple submitters, no conflicts (2 of 4 stars). 2 submissions from 2 submitters: Likely benign (2). Last evaluated 2018-06-14.

Allele frequency attached by ClinVar (database versions not stated): gnomAD 0.01814 and 0.02042; TOPMed 0.02052; 1000 Genomes Project 30x 0.03951; 1000 Genomes Project 0.04213.
gnomAD v4.1: 14,312 of 735,344 alleles (1.9%); highest among the groups gnomAD compares: South Asian, 8.5%; 439 homozygotes.

Submissions (2):

GeneDx
Classification: Likely benign. Last evaluated: 2018-06-14. Review status: criteria provided, single submitter. Criteria: GeneDx Variant Classification (06012015). Collection method: clinical testing. Allele origin: germline. Affected: yes.
Comment: This variant is considered likely benign or benign based on one or more of the following criteria: it is a conservative change, it occurs at a poorly conserved position in the protein, it is predicted to be benign by multiple in silico algorithms, and/or has population frequency not consistent with disease.

Breakthrough Genomics
Classification: Likely benign. Review status: criteria provided, single submitter. Criteria: ACMG Guidelines, 2015. Collection method: not provided. Allele origin: germline. Inheritance: Autosomal dominant inheritance. Affected: yes.